The following is an entry in ClinVar:

ClinVar aggregate classification (germline): Pathogenic/Likely pathogenic. Review status: criteria provided, multiple submitters, no conflicts (2 of 4 stars). 4 submissions from 4 submitters: Pathogenic (3); Likely pathogenic (1). Last evaluated 2026-06-03.

Conditions:
Citrullinemia, type II, adult-onset (CDAA). Also called: CITRIN DEFICIENCY, ADOLESCENT OR ADULT ONSET. Identifiers: Orphanet 247585, MedGen CN295299, MONDO:0011326, OMIM 603471.
Citrullinemia. Identifiers: Orphanet 187, MedGen C0175683, MONDO:0015991.
Citrin deficiency. Identifiers: Orphanet 247582, MedGen C1997910, MONDO:0016602.
SLC25A13-related disorder. Also called: SLC25A13-related condition.

Allele frequency attached by ClinVar (database versions not stated): ExAC 0.00001; gnomAD 0.00001; gnomAD exomes 0.00001; TOPMed 0.00001.
gnomAD v4.1: 21 of 1,614,052 alleles (0.0013%); highest among the groups gnomAD compares: Non-Finnish European, 0.0017%; no homozygotes.

Submissions (4):

PreventionGenetics, part of Exact Sciences
Classification: Pathogenic for SLC25A13-related condition. Last evaluated: 2026-06-03. Review status: criteria provided, single submitter. Criteria: ACMG Guidelines, 2015. Collection method: clinical testing. Allele origin: germline.
Comment: The SLC25A13 c.1173T>G variant is predicted to result in premature protein termination (p.Tyr391*). This variant was reported in an individual with citrin deficiency (Patient AGC2-1, Bölsterli et al. 2022). This variant is reported in 0.0029% of alleles in individuals of Latino descent in gnomAD. Nonsense variants in SLC25A13 are expected to be pathogenic. This variant is interpreted as pathogenic.

Natera, Inc.
Classification: Pathogenic for Citrullinemia. Last evaluated: 2025-10-23. Review status: criteria provided, single submitter. Criteria: Natera Variant Classification Schema (03/2026). Collection method: clinical testing. Allele origin: germline.
Comment: The c.1173T>G variant in SLC25A13 is a nonsense variant predicted to introduce a stop codon at amino acid 391. This variant is expected to result in nonsense mediated decay, truncation, or a dysfunctional protein product. This variant is rare in the general population with a frequency below the threshold expected for the associated phenotype(s). This variant has been observed in one or more individuals affected with the associated recessive disease, as either homozygous or compound heterozygous with a second variant (PMID: 36079864). Given the available evidence, this variant is classified as Pathogenic.

Labcorp Genetics (formerly Invitae), Labcorp
Classification: Pathogenic for Citrin deficiency. Last evaluated: 2024-01-25. Review status: criteria provided, single submitter. Criteria: Invitae Variant Classification Sherloc (09022015). Collection method: clinical testing. Allele origin: germline.
Comment: This sequence change creates a premature translational stop signal (p.Tyr391*) in the SLC25A13 gene. It is expected to result in an absent or disrupted protein product. Loss-of-function variants in SLC25A13 are known to be pathogenic (PMID: 10369257, 14680984, 27405544). This variant is present in population databases (rs762925301, gnomAD 0.003%). This variant has not been reported in the literature in individuals affected with SLC25A13-related conditions. ClinVar contains an entry for this variant (Variation ID: 1323603). For these reasons, this variant has been classified as Pathogenic.

Baylor Genetics
Classification: Likely pathogenic for Citrullinemia, type II, adult-onset. Last evaluated: 2023-02-25. Review status: criteria provided, single submitter. Criteria: ACMG Guidelines, 2015. Collection method: clinical testing. Allele origin: unknown.

Literature cited by the submitters: PubMed 36079864 (cited by Natera, Inc.); PubMed 10369257 (cited by Labcorp Genetics (formerly Invitae), Labcorp); PubMed 14680984 (cited by Labcorp Genetics (formerly Invitae), Labcorp); PubMed 27405544 (cited by Labcorp Genetics (formerly Invitae), Labcorp).

NM_014251.3(SLC25A13):c.1173T>G (p.Tyr391Ter)

Gene: SLC25A13 (solute carrier family 25 member 13; minus strand). Cytogenetic location: 7q21.3.
Variant type: single nucleotide variant.
Coding change: c.1173T>G on transcript NM_014251.3 (MANE Select); coding-DNA position 1173, T replaced by G.
Protein change: p.Tyr391Ter; replaces tyrosine 391 with a stop codon.
Molecular consequence: nonsense. On other transcripts: non-coding transcript variant (1).
Genome position (GRCh38, 1-based): chr7:96,184,281, A>C on the plus strand (T>G on the coding strand, the complement: SLC25A13 is on the minus strand). VCF-style: chr7-96184281-A-C. GRCh37 (hg19) VCF-style: chr7-95813593-A-C.
Other names: c.1176T>G, p.Tyr392Ter (NM_001160210.2); short protein forms Y391*, Y392*.
Identifiers: ClinVar variation 1323603 (VCV001323603.7), dbSNP rs762925301, ClinGen allele CA4353027.
Genomic context (GRCh38, chr7:96,184,281, plus strand): 5'-AAACCAAACCTTTGAGTGTTATTTCACCTAACAGGTATTGAGCATGTGGCACTAACCTCT[A>C]TACAGTCCAAAGAAGCCTTCATAGCGTAGCACTTTCTTAAAACAGTCAAAGCTGTTTTTA-3'